The following is an entry in ClinVar:

ClinVar aggregate classification (germline): Uncertain significance. Review status: criteria provided, single submitter (1 of 4 stars). 2 submissions from 1 submitter: Uncertain significance (2). Last evaluated 2020-10-29.

Conditions:
Developmental and epileptic encephalopathy, 30 (DEE30). Also called: Epileptic encephalopathy, early infantile, 30. Identifiers: MedGen C4225360, MONDO:0014595, OMIM 616341.
Progressive myoclonic epilepsy. Also called: Familial progressive myoclonic epilepsy; Myoclonus epilepsy; Progressive myoclonus epilepsy; Myoclonic Epilepsies, Progressive. Identifiers: Orphanet 308, Orphanet 98261, MedGen C0751778, MONDO:0020074.

Submissions (2):

Labcorp Genetics (formerly Invitae), Labcorp
Classification: Uncertain significance for Progressive myoclonic epilepsy. Last evaluated: 2020-10-29. Review status: criteria provided, single submitter. Criteria: Invitae Variant Classification Sherloc (09022015). Collection method: clinical testing. Allele origin: germline.
Comment: This variant results in a copy number gain of the genomic region encompassing the full coding sequence of the CSTB gene. The boundaries of this event are unknown as they extend beyond the assayed region for this gene and therefore may encompass additional genes. As the precise location of this event is unknown, it may be in tandem or it may be located elsewhere in the genome. This variant has not been reported in the literature in individuals with CSTB-related disease. Experimental studies and prediction algorithms are not available for this variant, and the functional significance of a CSTB whole-gene copy number gain is currently unknown. In summary, the available evidence is currently insufficient to determine the role of this variant in disease. Therefore, it has been classified as a Variant of Uncertain Significance.

Labcorp Genetics (formerly Invitae), Labcorp
Classification: Uncertain significance for Developmental and epileptic encephalopathy, 30. Last evaluated: 2020-10-29. Review status: criteria provided, single submitter. Criteria: Invitae Variant Classification Sherloc (09022015). Collection method: clinical testing. Allele origin: germline.
Comment: This variant results in a copy number gain of the genomic region encompassing exons 1-12 of the SIK1 gene, which includes the initiator codon. The 5' end of this event is unknown as it extends beyond the assayed region for this gene and therefore may encompass additional genes. The 3' boundary is likely confined to intron 12 of the SIK1 gene. As the precise location of this event is unknown, it may be in tandem or it may be located elsewhere in the genome. This variant has not been reported in the literature in individuals with SIK1-related conditions. In summary, the available evidence is currently insufficient to determine the role of this variant in disease. Therefore, it has been classified as a Variant of Uncertain Significance.

NC_000021.8:g.(?_44838130)_(45196150_?)dup

Genes: RRP1B (ribosomal RNA processing 1B; plus strand), CSTB (cystatin B; minus strand), HSF2BP (heat shock transcription factor 2 binding protein; minus strand), PDXK (pyridoxal kinase; plus strand), SIK1 (salt inducible kinase 1; minus strand). Cytogenetic location: 21q22.3.
Variant type: Duplication.
Identifiers: ClinVar variation 1055976 (VCV001055976.1).